The following is an entry in ClinVar:

ClinVar aggregate classification (germline): Uncertain significance (1 of 4 stars; one submission).

Conditions:
Muscular dystrophy-dystroglycanopathy (congenital with brain and eye anomalies), type A1 (MDDGA1). Also called: COD-MD SYNDROME; Hydrocephalus, agyria and retinal dysplasia; Hard +/- E syndrome; Warburg syndrome; Chemke syndrome; Pagon syndrome. Identifiers: Orphanet 588, Orphanet 899, MedGen C4284790, MONDO:0009364, OMIM 236670.
Muscular dystrophy-dystroglycanopathy (congenital with impaired intellectual development), type B, 1. Also called: MUSCULAR DYSTROPHY, CONGENITAL, POMT1-RELATED; Muscular dystrophy-dystroglycanopathy (congenital with intellectual disability), type B1. Identifiers: MedGen C5436962, MONDO:0013159, OMIM 613155.
Autosomal recessive limb-girdle muscular dystrophy type 2K. Also called: MUSCULAR DYSTROPHY-DYSTROGLYCANOPATHY (LIMB-GIRDLE), TYPE C, 1; MUSCULAR DYSTROPHY, LIMB-GIRDLE, TYPE 2K. Identifiers: Orphanet 86812, MedGen C1836373, MONDO:0012248, OMIM 609308.

Submission:

Juno Genomics, Hangzhou Juno Genomics, Inc
Classification: Uncertain significance for Muscular dystrophy-dystroglycanopathy (congenital with brain and eye anomalies), type A1; Muscular dystrophy-dystroglycanopathy (congenital with impaired intellectual development), type B, 1; Autosomal recessive limb-girdle muscular dystrophy type 2K. Review status: criteria provided, single submitter. Criteria: ACMG Guidelines, 2015. Collection method: clinical testing. Allele origin: germline.
Comment: Absent from controls (or at extremely low frequency if recessive) in Genome Aggregation Database.;Multiple lines of computational evidence support a deleterious effect on the gene or gene product.

NM_001077365.2(POMT1):c.349C>G (p.Pro117Ala)

Gene: POMT1 (protein O-mannosyltransferase 1; plus strand). Cytogenetic location: 9q34.13.
Variant type: single nucleotide variant.
Coding change: c.349C>G on transcript NM_001077365.2 (MANE Select); coding-DNA position 349, C replaced by G.
Protein change: p.Pro117Ala; replaces proline 117 with alanine.
Molecular consequence: missense variant. On other transcripts: 5 prime UTR variant (5), non-coding transcript variant (9), intron variant (3).
Genome position (GRCh38, 1-based): chr9:131,507,436, C>G. VCF-style: chr9-131507436-C-G. GRCh37 (hg19) VCF-style: chr9-134382823-C-G.
Other names: c.187C>G, p.Pro63Ala (NM_001077366.2, NM_001353194.2, NM_001353197.2 and 3 more transcripts); c.349C>G, p.Pro117Ala (NM_001136113.2, NM_001353193.2, NM_001374690.1 and 1 more transcripts); c.-3C>G (NM_001136114.2, NM_001353195.2, NM_001353199.2 and 2 more transcripts); c.259C>G, p.Pro87Ala (NM_001353196.2); c.-29-1475C>G (NM_001374695.1); c.-710+983C>G (NM_001411024.1); c.-30+983C>G (NM_001353200.2); short protein forms P63A, P117A, P87A.
Identifiers: ClinVar variation 5007407 (VCV005007407.2).